The following is an entry in ClinVar:

NM_001127222.2(CACNA1A):c.4411G>A (p.Ala1471Thr)

Gene: CACNA1A (calcium voltage-gated channel subunit alpha1 A; minus strand). Cytogenetic location: 19p13.13.
Variant type: single nucleotide variant.
Coding change: c.4411G>A on transcript NM_001127222.2 (MANE Select); coding-DNA position 4411, G replaced by A.
Protein change: p.Ala1471Thr; replaces alanine 1471 with threonine.
Molecular consequence: missense variant.
Genome position (GRCh38, 1-based): chr19:13,257,529, C>T on the plus strand (G>A on the coding strand, the complement: CACNA1A is on the minus strand). VCF-style: chr19-13257529-C-T. GRCh37 (hg19) VCF-style: chr19-13368343-C-T.
Other names: c.4423G>A, p.Ala1475Thr (NM_000068.4, NM_023035.3); c.4414G>A, p.Ala1472Thr (NM_001127221.2, NM_001174080.2); short protein forms A1472T, A1471T, A1475T.
Identifiers: ClinVar variation 587820 (VCV000587820.8), dbSNP rs1187916307, ClinGen allele CA404339132.

ClinVar aggregate classification (germline): Uncertain significance. Review status: criteria provided, multiple submitters, no conflicts (2 of 4 stars). 2 submissions from 2 submitters: Uncertain significance (2). Last evaluated 2025-09-21.

Conditions:
Developmental and epileptic encephalopathy, 42 (DEE42A). Also called: DEVELOPMENTAL AND EPILEPTIC ENCEPHALOPATHY 42A; EPILEPTIC ENCEPHALOPATHY, EARLY INFANTILE, 42A; Epileptic encephalopathy, early infantile, 42. Identifiers: MedGen C4310716, MONDO:0014917, OMIM 617106.
Episodic ataxia type 2 (EA2). Also called: ACETAZOLAMIDE-RESPONSIVE HEREDITARY PAROXYSMAL CEREBELLAR ATAXIA; ATAXIA, EPISODIC, WITH NYSTAGMUS; ATAXIA, FAMILIAL PAROXYSMAL; CEREBELLAR ATAXIA, PAROXYSMAL, ACETAZOLAMIDE-RESPONSIVE; CEREBELLOPATHY, HEREDITARY PAROXYSMAL; EPISODIC ATAXIA, NYSTAGMUS-ASSOCIATED. Identifiers: Orphanet 97, MedGen C1720416, MONDO:0007163, OMIM 108500.
Inborn genetic diseases. Identifiers: MedGen C0950123, MeSH D030342.

Allele frequency attached by ClinVar (database versions not stated): gnomAD exomes 0.00001 and 0.00002; TOPMed 0.00001; gnomAD 0.00003.
gnomAD v4.1: 24 of 1,587,224 alleles (0.0015%); highest among the groups gnomAD compares: East Asian, 0.0046%; no homozygotes.

Submissions (2):

Labcorp Genetics (formerly Invitae), Labcorp
Classification: Uncertain significance for Developmental and epileptic encephalopathy, 42; Episodic ataxia type 2. Last evaluated: 2025-09-21. Review status: criteria provided, single submitter. Criteria: Invitae Variant Classification Sherloc (09022015). Collection method: clinical testing. Allele origin: germline.
Comment: This sequence change replaces alanine, which is neutral and non-polar, with threonine, which is neutral and polar, at codon 1472 of the CACNA1A protein (p.Ala1472Thr). The frequency data for this variant in the population databases is considered unreliable, as metrics indicate poor data quality at this position in the gnomAD database. This variant has not been reported in the literature in individuals affected with CACNA1A-related conditions. ClinVar contains an entry for this variant (Variation ID: 587820). Invitae Evidence Modeling of protein sequence and biophysical properties (such as structural, functional, and spatial information, amino acid conservation, physicochemical variation, residue mobility, and thermodynamic stability) has been performed for this missense variant. However, the output from this modeling did not meet the statistical confidence thresholds required to predict the impact of this variant on CACNA1A protein function. In summary, the available evidence is currently insufficient to determine the role of this variant in disease. Therefore, it has been classified as a Variant of Uncertain Significance.

Ambry Genetics
Classification: Uncertain significance for Inborn genetic diseases. Last evaluated: 2016-04-19. Review status: criteria provided, single submitter. Criteria: Ambry Variant Classification Scheme 2023. Collection method: clinical testing. Allele origin: germline.
Comment: The p.A1472T variant (also known as c.4414G>A), located in coding exon 28 of the CACNA1A gene, results from a G to A substitution at nucleotide position 4414. The alanine at codon 1472 is replaced by threonine, an amino acid with similar properties. This variant was not reported in population based cohorts in the following databases: Database of Single Nucleotide Polymorphisms (dbSNP), NHLBI Exome Sequencing Project (ESP), and 1000 Genomes Project. In the ESP, this variant was not observed in 6029 samples (12058 alleles) with coverage at this position. This amino acid position is well conserved in available vertebrate species. In addition, the in silico prediction for this alteration is inconclusive. Since supporting evidence is limited at this time, the clinical significance of this alteration remains unclear.